The following is an entry in ClinVar:

ClinVar aggregate classification (germline): Conflicting classifications of pathogenicity. Review status: criteria provided, conflicting classifications (1 of 4 stars). 2 submissions from 2 submitters: Uncertain significance (1); Likely benign (1). Last evaluated 2026-06-08.

Conditions:
Myofibrillar myopathy 5. Also called: Filaminopathy (type); FILAMINOPATHY, AUTOSOMAL DOMINANT. Identifiers: Orphanet 171445, MedGen C1836050, MONDO:0012289, OMIM 609524.
Distal myopathy with posterior leg and anterior hand involvement. Also called: WILLIAMS DISTAL MYOPATHY. Identifiers: Orphanet 63273, MedGen C3279722, MONDO:0013550, OMIM 614065.
Hypertrophic cardiomyopathy 26. Also called: Cardiomyopathy, familial hypertrophic, 26. Identifiers: Orphanet 75249, MedGen C4310749, MONDO:0014883, OMIM 617047.
Cardiovascular phenotype. Identifiers: MedGen CN230736.

Allele frequency attached by ClinVar (database versions not stated): gnomAD 0.00001.
gnomAD v4.1: 4 of 1,612,074 alleles (0.00025%); highest among the groups gnomAD compares: African/African-American, 0.0053%; no homozygotes.

Submissions (2):

Ambry Genetics
Classification: Uncertain significance for Cardiovascular phenotype. Last evaluated: 2026-06-08. Review status: criteria provided, single submitter. Criteria: Ambry Variant Classification Scheme 2023. Collection method: clinical testing. Allele origin: germline.
Comment: The c.3141G>A variant (also known as p.V1047V), located in coding exon 20 of the FLNC gene, results from a G to A substitution at nucleotide position 3141. This nucleotide substitution does not change the amino acid at codon 1047. This nucleotide position is not well conserved in available vertebrate species. In silico splice site analysis for this alteration is inconclusive. Based on the available evidence, the clinical significance of this variant remains unclear.

Labcorp Genetics (formerly Invitae), Labcorp
Classification: Likely benign for Distal myopathy with posterior leg and anterior hand involvement; Myofibrillar myopathy 5; Hypertrophic cardiomyopathy 26. Last evaluated: 2025-09-10. Review status: criteria provided, single submitter. Criteria: Invitae Variant Classification Sherloc (09022015). Collection method: clinical testing. Allele origin: germline.

NM_001458.5(FLNC):c.3141G>A (p.Val1047=)

Gene: FLNC (filamin C; plus strand). Cytogenetic location: 7q32.1.
Variant type: single nucleotide variant.
Coding change: c.3141G>A on transcript NM_001458.5 (MANE Select); coding-DNA position 3141, G replaced by A.
Protein change: p.Val1047=; no amino-acid change (valine 1047 retained).
Molecular consequence: synonymous variant.
Genome position (GRCh38, 1-based): chr7:128,844,215, G>A. VCF-style: chr7-128844215-G-A. GRCh37 (hg19) VCF-style: chr7-128484269-G-A.
Other names: c.3141G>A, p.Val1047= (NM_001127487.2); c.3141G>A (NM_001458.4).
Identifiers: ClinVar variation 1618225 (VCV001618225.9), dbSNP rs1554399057, ClinGen allele CA457847987.